The following is an entry in ClinVar:

ClinVar aggregate classification (germline): Pathogenic/Likely pathogenic. Review status: criteria provided, multiple submitters, no conflicts (2 of 4 stars). 2 submissions from 2 submitters: Pathogenic (1); Likely pathogenic (1). Last evaluated 2025-07-30.

Conditions:
Neurofibromatosis, type 1 (NF1). Also called: NEUROFIBROMATOSIS, TYPE I, SOMATIC; Neurofibromatosis, type I; Peripheral type neurofibromatosis; VON RECKLINGHAUSEN DISEASE. Identifiers: Orphanet 636, MedGen C0027831, MONDO:0018975, OMIM 162200. Disease mechanism: loss of function.
Hereditary cancer-predisposing syndrome. Also called: Tumor predisposition; Hereditary neoplastic syndrome; Neoplastic Syndromes, Hereditary; Hereditary Cancer Syndrome. Identifiers: Orphanet 140162, MedGen C0027672, MeSH D009386, MONDO:0015356.
Cardiovascular phenotype. Identifiers: MedGen CN230736.

Submissions (2):

Labcorp Genetics (formerly Invitae), Labcorp
Classification: Pathogenic for Neurofibromatosis, type 1. Last evaluated: 2025-07-30. Review status: criteria provided, single submitter. Criteria: Invitae Variant Classification Sherloc (09022015). Collection method: clinical testing. Allele origin: germline.
Comment: This sequence change creates a premature translational stop signal (p.Gly751Glufs*9) in the NF1 gene. It is expected to result in an absent or disrupted protein product. Loss-of-function variants in NF1 are known to be pathogenic (PMID: 10712197, 23913538). This variant is not present in population databases (gnomAD no frequency). This premature translational stop signal has been observed in individuals with clinical features of neurofibromatosis type 1 (internal data). ClinVar contains an entry for this variant (Variation ID: 647570). Algorithms developed to predict the effect of sequence changes on RNA splicing suggest that this variant may disrupt the consensus splice site. For these reasons, this variant has been classified as Pathogenic.

Ambry Genetics
Classification: Likely pathogenic for Cardiovascular phenotype; Hereditary cancer-predisposing syndrome. Last evaluated: 2021-04-22. Review status: criteria provided, single submitter. Criteria: Ambry Variant Classification Scheme 2023. Collection method: clinical testing. Allele origin: germline.
Comment: The c.2252delG variant, located in coding exon 19 of the NF1 gene, results from a deletion of one nucleotide at nucleotide position 2252, causing a translational frameshift with a predicted alternate stop codon (p.G751Efs*9). However, this variant impacts the first base pair of coding exon 19, which means it may have some effect on normal mRNA splicing. This nucleotide position is highly conserved in available vertebrate species. In silico splice site analysis predicts that this alteration will weaken the native splice acceptor site and will result in the creation or strengthening of a novel splice acceptor site. Based on the majority of available evidence to date, this variant is likely to be pathogenic.

Literature cited by the submitters: PubMed 10712197 (cited by Labcorp Genetics (formerly Invitae), Labcorp); PubMed 23913538 (cited by Labcorp Genetics (formerly Invitae), Labcorp).

NM_000267.3(NF1):c.2252delG

Gene: NF1 (neurofibromin 1; plus strand). Cytogenetic location: 17q11.2.
Variant type: Deletion.
Coding change: c.2252delG on transcript NM_000267.3; coding-DNA position 2252, one base deleted (G).
Molecular consequence: splice acceptor variant.
Genome position (GRCh38, 1-based): chr17:31,227,218, G deleted; the last of 2 consecutive G bases (chr17:31,227,217-31,227,218); deleting either gives the same sequence. VCF-style (leftmost placement, unchanged base first): chr17-31227216-AG-A. GRCh37 (hg19) VCF-style: chr17-29554234-AG-A.
Other names: c.2252-1delG (NM_000267.3).
Identifiers: ClinVar variation 647570 (VCV000647570.9), dbSNP rs1597713259, ClinGen allele CA915949753.